The following is an entry in ClinVar:

NM_014339.7(IL17RA):c.*2603C>T

Gene: IL17RA (interleukin 17 receptor A; plus strand). Cytogenetic location: 22q11.1.
Variant type: single nucleotide variant.
Coding change: c.*2603C>T on transcript NM_014339.7 (MANE Select); 2603 bases downstream of the stop codon, C replaced by T.
Molecular consequence: 3 prime UTR variant.
Genome position (GRCh38, 1-based): chr22:17,112,423, C>T. VCF-style: chr22-17112423-C-T. GRCh37 (hg19) VCF-style: chr22-17593313-C-T.
Other names: c.*2603C>T (NM_001289905.2).
Identifiers: ClinVar variation 896756 (VCV000896756.4), dbSNP rs192250812, ClinGen allele CA321155997.

ClinVar aggregate classification (germline): Likely benign (1 of 4 stars; one submission).

Conditions:
Immunodeficiency 51 (IMD51). Also called: CANDIDIASIS, FAMILIAL, 5. Identifiers: Orphanet 1334, MedGen C4310803, MONDO:0013500, OMIM 613953.

Allele frequency attached by ClinVar (database versions not stated): gnomAD 0.00031 and 0.00042; TOPMed 0.00057; 1000 Genomes Project 30x 0.00203; 1000 Genomes Project 0.00220.

Submission:

Illumina Laboratory Services, Illumina
Classification: Likely benign for Immunodeficiency 51. Last evaluated: 2018-01-13. Review status: criteria provided, single submitter. Criteria: ICSL Variant Classification Criteria 13 December 2019. Collection method: clinical testing. Allele origin: germline.
Comment: This variant was observed in the ICSL laboratory as part of a predisposition screen in an ostensibly healthy population. It had not been previously curated by ICSL or reported in the Human Gene Mutation Database (HGMD: prior to June 1st, 2018), and was therefore a candidate for classification through an automated scoring system. Utilizing variant allele frequency, disease prevalence and penetrance estimates, and inheritance mode, an automated score was calculated to assess if this variant is too frequent to cause the disease. Based on the score and internal cut-off values, a variant classified as likely benign is not then subjected to further curation. The score for this variant resulted in a classification of likely benign for this disease.